The following is an entry in ClinVar:

ClinVar aggregate classification (germline): Uncertain significance. Review status: criteria provided, multiple submitters, no conflicts (2 of 4 stars). 2 submissions from 2 submitters: Uncertain significance (2). Last evaluated 2023-03-21.

gnomAD v4.1: 4 of 1,569,336 alleles (0.00025%); highest among the groups gnomAD compares: African/African-American, 0.0027%; no homozygotes.

Submissions (2):

GeneDx
Classification: Uncertain significance. Last evaluated: 2023-03-21. Review status: criteria provided, single submitter. Criteria: GeneDx Variant Classification Process June 2021. Collection method: clinical testing. Allele origin: germline. Affected: yes.
Comment: In silico analysis supports that this missense variant has a deleterious effect on protein structure/function; Has not been previously published as pathogenic or benign to our knowledge

Labcorp Genetics (formerly Invitae), Labcorp
Classification: Uncertain significance. Last evaluated: 2022-09-13. Review status: criteria provided, single submitter. Criteria: Invitae Variant Classification Sherloc (09022015). Collection method: clinical testing. Allele origin: germline.
Comment: This sequence change replaces isoleucine, which is neutral and non-polar, with methionine, which is neutral and non-polar, at codon 487 of the MYO7A protein (p.Ile487Met). This variant is not present in population databases (gnomAD no frequency). This variant has not been reported in the literature in individuals affected with MYO7A-related conditions. Advanced modeling of protein sequence and biophysical properties (such as structural, functional, and spatial information, amino acid conservation, physicochemical variation, residue mobility, and thermodynamic stability) has been performed at Invitae for this missense variant, however the output from this modeling did not meet the statistical confidence thresholds required to predict the impact of this variant on MYO7A protein function. In summary, the available evidence is currently insufficient to determine the role of this variant in disease. Therefore, it has been classified as a Variant of Uncertain Significance.

NM_000260.4(MYO7A):c.1461C>G (p.Ile487Met)

Gene: MYO7A (myosin VIIA; plus strand). Cytogenetic location: 11q13.5.
Variant type: single nucleotide variant.
Coding change: c.1461C>G on transcript NM_000260.4 (MANE Select); coding-DNA position 1461, C replaced by G.
Protein change: p.Ile487Met; replaces isoleucine 487 with methionine.
Molecular consequence: missense variant.
Genome position (GRCh38, 1-based): chr11:77,162,237, C>G. VCF-style: chr11-77162237-C-G. GRCh37 (hg19) VCF-style: chr11-76873283-C-G.
Other names: c.1461C>G, p.Ile487Met (NM_001127180.2); c.1428C>G, p.Ile476Met (NM_001369365.1); c.1461C>G (NM_000260.3); short protein forms I476M, I487M.
Identifiers: ClinVar variation 2199962 (VCV002199962.2), dbSNP rs782195221, ClinGen allele CA6197502.